The following is an entry in ClinVar:

NM_000038.6(APC):c.5850G>T (p.Lys1950Asn)

Gene: APC (APC regulator of Wnt signaling pathway; plus strand). Cytogenetic location: 5q22.2.
Variant type: single nucleotide variant.
Coding change: c.5850G>T on transcript NM_000038.6 (MANE Select); coding-DNA position 5850, G replaced by T.
Protein change: p.Lys1950Asn; replaces lysine 1950 with asparagine.
Molecular consequence: missense variant.
Genome position (GRCh38, 1-based): chr5:112,841,444, G>T. VCF-style: chr5-112841444-G-T. GRCh37 (hg19) VCF-style: chr5-112177141-G-T.
Other names: c.5850G>T, p.Lys1950Asn (NM_001127510.3, NM_001354895.2); c.5796G>T, p.Lys1932Asn (NM_001127511.3); c.5904G>T, p.Lys1968Asn (NM_001354896.2); c.5880G>T, p.Lys1960Asn (NM_001354897.2); c.5775G>T, p.Lys1925Asn (NM_001354898.2); c.5766G>T, p.Lys1922Asn (NM_001354899.2); c.5727G>T, p.Lys1909Asn (NM_001354900.2); c.5673G>T, p.Lys1891Asn (NM_001354901.2); and 5 more; short protein forms K1790N, K1849N, K1922N, K1932N, K1859N, K1891N, K1667N, K1824N.
Identifiers: ClinVar variation 924940 (VCV000924940.13), dbSNP rs1554087034, ClinGen allele CA16034128.

ClinVar aggregate classification (germline): Uncertain significance. Review status: criteria provided, multiple submitters, no conflicts (2 of 4 stars). 4 submissions from 4 submitters: Uncertain significance (4). Last evaluated 2025-03-05.

Conditions:
Hereditary cancer-predisposing syndrome. Also called: Neoplastic Syndromes, Hereditary; Tumor predisposition; Hereditary Cancer Syndrome; Hereditary neoplastic syndrome. Identifiers: Orphanet 140162, MedGen C0027672, MeSH D009386, MONDO:0015356.
Familial adenomatous polyposis 1 (FAP1). Also called: FAMILIAL ADENOMATOUS POLYPOSIS 1, ATTENUATED; POLYPOSIS, ADENOMATOUS INTESTINAL. Identifiers: MedGen C2713442, MONDO:0021056, OMIM 175100. Disease mechanism: loss of function.

Submissions (4):

Labcorp Genetics (formerly Invitae), Labcorp
Classification: Uncertain significance for Familial adenomatous polyposis 1. Last evaluated: 2025-03-05. Review status: criteria provided, single submitter. Criteria: Invitae Variant Classification Sherloc (09022015). Collection method: clinical testing. Allele origin: germline.
Comment: This sequence change replaces lysine, which is basic and polar, with asparagine, which is neutral and polar, at codon 1950 of the APC protein (p.Lys1950Asn). This variant is not present in population databases (gnomAD no frequency). This variant has not been reported in the literature in individuals affected with APC-related conditions. ClinVar contains an entry for this variant (Variation ID: 924940). Invitae Evidence Modeling of protein sequence and biophysical properties (such as structural, functional, and spatial information, amino acid conservation, physicochemical variation, residue mobility, and thermodynamic stability) indicates that this missense variant is not expected to disrupt APC protein function with a negative predictive value of 95%. In summary, the available evidence is currently insufficient to determine the role of this variant in disease. Therefore, it has been classified as a Variant of Uncertain Significance.

Color Diagnostics, LLC DBA Color Health
Classification: Uncertain significance for Hereditary cancer-predisposing syndrome. Last evaluated: 2024-03-06. Review status: criteria provided, single submitter. Criteria: ACMG Guidelines, 2015. Collection method: clinical testing. Allele origin: germline.
Comment: This missense variant replaces lysine with asparagine at codon 1950 of the APC protein. Computational prediction is inconclusive regarding the impact of this variant on protein structure and function (internally defined REVEL score threshold 0.5 < inconclusive < 0.7, PMID: 27666373). To our knowledge, functional studies have not been reported for this variant. This variant has not been reported in individuals affected with hereditary cancer in the literature. This variant has not been identified in the general population by the Genome Aggregation Database (gnomAD). The available evidence is insufficient to determine the role of this variant in disease conclusively. Therefore, this variant is classified as a Variant of Uncertain Significance.

Ambry Genetics
Classification: Uncertain significance for Hereditary cancer-predisposing syndrome. Last evaluated: 2023-09-24. Review status: criteria provided, single submitter. Criteria: Ambry Variant Classification Scheme 2023. Collection method: clinical testing. Allele origin: germline.
Comment: The p.K1950N variant (also known as c.5850G>T), located in coding exon 15 of the APC gene, results from a G to T substitution at nucleotide position 5850. The lysine at codon 1950 is replaced by asparagine, an amino acid with similar properties. This amino acid position is conserved. In addition, in silico predictors for this gene do not accurately predict pathogenicity. Since supporting evidence is limited at this time, the clinical significance of this alteration remains unclear.

GeneDx
Classification: Uncertain significance. Last evaluated: 2019-10-22. Review status: criteria provided, single submitter. Criteria: GeneDx Variant Classification Process June 2021. Collection method: clinical testing. Allele origin: germline. Affected: yes.
Comment: Not observed in large population cohorts (Lek 2016); In silico analysis, which includes protein predictors and evolutionary conservation, supports that this variant does not alter protein structure/function; Has not been previously published as pathogenic or benign to our knowledge